The following is an entry in ClinVar:

ClinVar aggregate classification (germline): Uncertain significance. Review status: criteria provided, multiple submitters, no conflicts (2 of 4 stars). 4 submissions from 4 submitters: Uncertain significance (3). 1 of the submissions does not count toward it. Last evaluated 2022-07-12.

Conditions:
Myopathy, lactic acidosis, and sideroblastic anemia. Also called: Mitochondrial myopathy and sideroblastic anemia; Myopathy with lactic acidosis and sideroblastic anemia. Identifiers: Orphanet 2598, MedGen C1838103, MONDO:0000863.
Inborn genetic diseases. Identifiers: MedGen C0950123, MeSH D030342.

Allele frequency attached by ClinVar (database versions not stated): gnomAD exomes 0.00001; gnomAD 0.00002; TOPMed 0.00004.
gnomAD v4.1: 12 of 1,514,816 alleles (0.00079%); highest among the groups gnomAD compares: Middle Eastern, 0.019%; no homozygotes.

Submissions (4):

Women's Health and Genetics/Laboratory Corporation of America, LabCorp
Classification: Uncertain significance. Last evaluated: 2022-07-12. Review status: criteria provided, single submitter. Criteria: LabCorp Variant Classification Summary - May 2015. Collection method: clinical testing. Allele origin: germline.
Comment: Variant summary: PUS1 c.127C>T (p.Pro43Ser) results in a non-conservative amino acid change in the encoded protein sequence. Four of five in-silico tools predict a benign effect of the variant on protein function. The variant allele was found at a frequency of 7.4e-06 in 134418 control chromosomes (gnomAD). The available data on variant occurrences in the general population are insufficient to allow any conclusion about variant significance. To our knowledge, no occurrence of c.127C>T in individuals affected with Myopathy, Lactic Acidosis, And Sideroblastic Anemia 1 and no experimental evidence demonstrating its impact on protein function have been reported. Two clinical diagnostic laboratories have submitted clinical-significance assessments for this variant to ClinVar after 2014 and all laboratories classified the variant as uncertain significance. Based on the evidence outlined above, the variant was classified as uncertain significance.

Ambry Genetics
Classification: Uncertain significance for Inborn genetic diseases. Last evaluated: 2021-08-13. Review status: criteria provided, single submitter. Criteria: Ambry Variant Classification Scheme 2023. Collection method: clinical testing. Allele origin: germline.

GeneDx
Classification: Uncertain significance. Last evaluated: 2021-08-10. Review status: criteria provided, single submitter. Criteria: GeneDx Variant Classification Process June 2021. Collection method: clinical testing. Allele origin: germline. Affected: yes.
Comment: Not observed at significant frequency in large population cohorts (Lek et al., 2016); In silico analysis supports that this missense variant does not alter protein structure/function; Has not been previously published as pathogenic or benign to our knowledge

Natera, Inc.
Classification: Uncertain significance for Mitochondrial myopathy and sideroblastic anemia. Last evaluated: 2020-01-24. Review status: no assertion criteria provided. Collection method: clinical testing. Allele origin: germline. Not counted in ClinVar's aggregate classification.

NM_025215.6(PUS1):c.127C>T (p.Pro43Ser)

Genes: PUS1 (pseudouridine synthase 1; plus strand), LOC130009240 (ATAC-STARR-seq lymphoblastoid silent region 5107; plus strand). Cytogenetic location: 12q24.33.
Variant type: single nucleotide variant.
Coding change: c.127C>T on transcript NM_025215.6 (MANE Select); coding-DNA position 127, C replaced by T.
Protein change: p.Pro43Ser; replaces proline 43 with serine.
Molecular consequence: missense variant.
Genome position (GRCh38, 1-based): chr12:131,929,959, C>T. VCF-style: chr12-131929959-C-T. GRCh37 (hg19) VCF-style: chr12-132414504-C-T.
Other names: c.43C>T, p.Pro15Ser (NM_001002019.3, NM_001002020.3); short protein forms P15S, P43S.
Identifiers: ClinVar variation 1254575 (VCV001254575.7), dbSNP rs928144275, ClinGen allele CA246181858.